The following is an entry in ClinVar:

NM_001130144.3(LTBP3):c.3280C>T (p.Pro1094Ser)

Gene: LTBP3 (latent transforming growth factor beta binding protein 3; minus strand). Cytogenetic location: 11q13.1.
Variant type: single nucleotide variant.
Coding change: c.3280C>T on transcript NM_001130144.3 (MANE Select); coding-DNA position 3280, C replaced by T.
Protein change: p.Pro1094Ser; replaces proline 1094 with serine.
Molecular consequence: missense variant. On other transcripts: intron variant (2).
Genome position (GRCh38, 1-based): chr11:65,540,118, G>A on the plus strand (C>T on the coding strand, the complement: LTBP3 is on the minus strand). VCF-style: chr11-65540118-G-A. GRCh37 (hg19) VCF-style: chr11-65307589-G-A.
Other names: c.2893+127C>T (NM_001164266.1); c.3244+127C>T (NM_021070.4); short protein forms P1094S.
Identifiers: ClinVar variation 3023513 (VCV003023513.3), dbSNP rs1158760738, ClinGen allele CA381267230.

ClinVar aggregate classification (germline): Uncertain significance (1 of 4 stars; one submission).

Conditions:
Brachyolmia-amelogenesis imperfecta syndrome. Also called: Tooth agenesis, selective, 6; Dental anomalies and short stature; PLATYSPONDYLY WITH AMELOGENESIS IMPERFECTA. Identifiers: Orphanet 2899, MedGen C1832594, MONDO:0011018, OMIM 601216. Disease mechanism: loss of function.

Allele frequency attached by ClinVar (database versions not stated): gnomAD exomes below 0.00001; TOPMed 0.00001; gnomAD 0.00002.
gnomAD v4.1: 4 of 1,527,076 alleles (0.00026%); highest among the groups gnomAD compares: African/African-American, 0.0055%; no homozygotes.

Submission:

Labcorp Genetics (formerly Invitae), Labcorp
Classification: Uncertain significance for Brachyolmia-amelogenesis imperfecta syndrome. Last evaluated: 2023-07-17. Review status: criteria provided, single submitter. Criteria: Invitae Variant Classification Sherloc (09022015). Collection method: clinical testing. Allele origin: germline.
Comment: An algorithm developed to predict the effect of missense changes on protein structure and function (PolyPhen-2) suggests that this variant is likely to be tolerated. This variant has not been reported in the literature in individuals affected with LTBP3-related conditions. This variant is present in population databases (no rsID available, gnomAD 0.01%). This sequence change replaces proline, which is neutral and non-polar, with serine, which is neutral and polar, at codon 1094 of the LTBP3 protein (p.Pro1094Ser). In summary, the available evidence is currently insufficient to determine the role of this variant in disease. Therefore, it has been classified as a Variant of Uncertain Significance.